The following is an entry in ClinVar:

NM_002715.4(PPP2CA):c.188A>G (p.His63Arg)

Gene: PPP2CA (protein phosphatase 2 catalytic subunit alpha; minus strand). Cytogenetic location: 5q31.1.
Variant type: single nucleotide variant.
Coding change: c.188A>G on transcript NM_002715.4 (MANE Select); coding-DNA position 188, A replaced by G.
Protein change: p.His63Arg; replaces histidine 63 with arginine.
Molecular consequence: missense variant. On other transcripts: 5 prime UTR variant (1), non-coding transcript variant (1).
Genome position (GRCh38, 1-based): chr5:134,206,046, T>C on the plus strand (A>G on the coding strand, the complement: PPP2CA is on the minus strand). VCF-style: chr5-134206046-T-C. GRCh37 (hg19) VCF-style: chr5-133541737-T-C.
Other names: c.-8A>G (NM_001355019.2); short protein forms H63R.
Identifiers: ClinVar variation 1480833 (VCV001480833.8), dbSNP rs2149384593, ClinGen allele CA360994186.

ClinVar aggregate classification (germline): Uncertain significance (1 of 4 stars; one submission).

gnomAD v4.1: 1 of 1,614,170 alleles (0.000062%); highest among the groups gnomAD compares: Non-Finnish European, 0.000085%; no homozygotes.

Submission:

Labcorp Genetics (formerly Invitae), Labcorp
Classification: Uncertain significance. Last evaluated: 2022-08-10. Review status: criteria provided, single submitter. Criteria: Invitae Variant Classification Sherloc (09022015). Collection method: clinical testing. Allele origin: germline.
Comment: This sequence change replaces histidine, which is basic and polar, with arginine, which is basic and polar, at codon 63 of the PPP2CA protein (p.His63Arg). This variant is not present in population databases (gnomAD no frequency). This variant has not been reported in the literature in individuals affected with PPP2CA-related conditions. ClinVar contains an entry for this variant (Variation ID: 1480833). Algorithms developed to predict the effect of missense changes on protein structure and function (SIFT, PolyPhen-2, Align-GVGD) all suggest that this variant is likely to be disruptive. In summary, the available evidence is currently insufficient to determine the role of this variant in disease. Therefore, it has been classified as a Variant of Uncertain Significance.